The following is an entry in ClinVar:

NM_000173.7(GP1BA):c.59G>A (p.Cys20Tyr)

Gene: GP1BA (glycoprotein Ib platelet subunit alpha; plus strand). Cytogenetic location: 17p13.2.
Variant type: single nucleotide variant.
Coding change: c.59G>A on transcript NM_000173.7 (MANE Select); coding-DNA position 59, G replaced by A.
Protein change: p.Cys20Tyr; replaces cysteine 20 with tyrosine.
Molecular consequence: missense variant.
Genome position (GRCh38, 1-based): chr17:4,932,663, G>A. VCF-style: chr17-4932663-G-A. GRCh37 (hg19) VCF-style: chr17-4835958-G-A.
Other names: short protein forms C20Y.
Identifiers: ClinVar variation 4999549 (VCV004999549.1).

ClinVar aggregate classification (germline): Uncertain significance (1 of 4 stars; one submission).

Conditions:
GP1BA-related disorder. Also called: GP1BA-related condition.

Submission:

PreventionGenetics, part of Exact Sciences
Classification: Uncertain significance for GP1BA-related condition. Last evaluated: 2025-05-08. Review status: criteria provided, single submitter. Criteria: ACMG Guidelines, 2015. Collection method: clinical testing. Allele origin: germline.
Comment: The GP1BA c.59G>A variant is predicted to result in the amino acid substitution p.Cys20Tyr. To our knowledge, this variant has not been reported in the literature. However, a different missense variant in the same codon (c.58T>G, p.Cys20Gly) has been reported in the heterozygous state in individuals with thrombocytopenia (Leinøe et al. 2019. PubMed ID: 30908598; Leinøe et al. 2021. PubMed ID: 34333846) suggesting that substitution of amino acid residue p.Cys20 is not tolerated. This variant is not reported in a large population database (gnomAD), indicating this variant is rare. Although we suspect that this variant may be pathogenic, at this time, the clinical significance of this variant is uncertain due to the absence of conclusive functional and genetic evidence.